The following is an entry in ClinVar:

NM_001130823.3(DNMT1):c.3G>A (p.Met1Ile)

Gene: DNMT1 (DNA methyltransferase 1; minus strand). Cytogenetic location: 19p13.2.
Variant type: single nucleotide variant.
Coding change: c.3G>A on transcript NM_001130823.3 (MANE Select); coding-DNA position 3, G replaced by A.
Protein change: p.Met1Ile; changes the start codon (methionine 1).
Molecular consequence: missense variant, initiator codon variant. On other transcripts: 5 prime UTR variant (1).
Genome position (GRCh38, 1-based): chr19:10,194,897, C>T on the plus strand (G>A on the coding strand, the complement: DNMT1 is on the minus strand). VCF-style: chr19-10194897-C-T. GRCh37 (hg19) VCF-style: chr19-10305573-C-T.
Other names: c.3G>A, p.Met1Ile (NM_001379.4, NM_001318730.2); c.-321G>A (NM_001318731.2); short protein forms M1I.
Identifiers: ClinVar variation 3723879 (VCV003723879.2).

ClinVar aggregate classification (germline): Uncertain significance (1 of 4 stars; one submission).

Conditions:
Hereditary sensory neuropathy-deafness-dementia syndrome. Also called: HSN IE; Hereditary sensory neuropathy type IE; NEUROPATHY, HEREDITARY SENSORY, WITH HEARING LOSS AND DEMENTIA; Hereditary Sensory and Autonomic Neuropathy Type 1E (HSAN1E). Identifiers: Orphanet 456318, MedGen C3279885, MONDO:0013584, OMIM 614116.

Submission:

Labcorp Genetics (formerly Invitae), Labcorp
Classification: Uncertain significance for Hereditary sensory neuropathy-deafness-dementia syndrome. Last evaluated: 2024-11-28. Review status: criteria provided, single submitter. Criteria: Invitae Variant Classification Sherloc (09022015). Collection method: clinical testing. Allele origin: germline.
Comment: This sequence change affects the initiator methionine of the DNMT1 mRNA. The next in-frame methionine is located at codon 122. This variant is not present in population databases (gnomAD no frequency). This variant has not been reported in the literature in individuals affected with DNMT1-related conditions. In summary, the available evidence is currently insufficient to determine the role of this variant in disease. Therefore, it has been classified as a Variant of Uncertain Significance.